The following is an entry in ClinVar:

NM_004999.4(MYO6):c.584C>G (p.Ala195Gly)

Gene: MYO6 (myosin VI; plus strand). Cytogenetic location: 6q14.1.
Variant type: single nucleotide variant.
Coding change: c.584C>G on transcript NM_004999.4 (MANE Select); coding-DNA position 584, C replaced by G.
Protein change: p.Ala195Gly; replaces alanine 195 with glycine.
Molecular consequence: missense variant. On other transcripts: non-coding transcript variant (2).
Genome position (GRCh38, 1-based): chr6:75,840,615, C>G. VCF-style: chr6-75840615-C-G. GRCh37 (hg19) VCF-style: chr6-76550332-C-G.
Other names: c.584C>G, p.Ala195Gly (NM_001300899.2, NM_001368136.1, NM_001368137.1 and 4 more transcripts); c.569C>G, p.Ala190Gly (NM_001368138.1); short protein forms A190G, A195G.
Identifiers: ClinVar variation 4799808 (VCV004799808.1).

ClinVar aggregate classification (germline): Uncertain significance (1 of 4 stars; one submission).

Submission:

Labcorp Genetics (formerly Invitae), Labcorp
Classification: Uncertain significance. Last evaluated: 2025-11-01. Review status: criteria provided, single submitter. Criteria: Invitae Variant Classification Sherloc (09022015). Collection method: clinical testing. Allele origin: germline.
Comment: This sequence change replaces alanine, which is neutral and non-polar, with glycine, which is neutral and non-polar, at codon 195 of the MYO6 protein (p.Ala195Gly). This variant is present in population databases (rs772421255, gnomAD 0.0009%). This variant has not been reported in the literature in individuals affected with MYO6-related conditions. Invitae Evidence Modeling of protein sequence and biophysical properties (such as structural, functional, and spatial information, amino acid conservation, physicochemical variation, residue mobility, and thermodynamic stability) indicates that this missense variant is expected to disrupt MYO6 protein function with a positive predictive value of 80%. In summary, the available evidence is currently insufficient to determine the role of this variant in disease. Therefore, it has been classified as a Variant of Uncertain Significance.